The following is an entry in ClinVar:

ClinVar aggregate classification (germline): Likely pathogenic (1 of 4 stars; one submission).

Conditions:
Mucopolysaccharidosis type 6 (MPS6). Also called: N-ACETYLGALACTOSAMINE-4-SULFATASE DEFICIENCY; MPS VI; MPS 6; Maroteaux Lamy syndrome; ARSB DEFICIENCY; ARYLSULFATASE B DEFICIENCY. Identifiers: Orphanet 583, MedGen C0026709, MONDO:0009661, OMIM 253200.

Submission:

Laboratory of Diagnosis and Therapy of Lysosomal Disorders, University of Padova
Classification: Likely pathogenic for Mucopolysaccharidosis type 6. Last evaluated: 2018-01-01. Review status: criteria provided, single submitter. Criteria: ACMG Guidelines, 2015. Collection method: curation. Allele origin: germline. Affected: yes.
Comment: In vitro functional studies supportive of a damaging effect on the gene product (low to no ARSB activity in homozygotes; PS3); Absent from GnomAD (PM2)

Literature cited by the submitters: PubMed 24053568; PubMed 30118150.

NM_000046.5(ARSB):c.395T>C (p.Leu132Pro)

Gene: ARSB (arylsulfatase B; minus strand). Cytogenetic location: 5q14.1.
Variant type: single nucleotide variant.
Coding change: c.395T>C on transcript NM_000046.5 (MANE Select); coding-DNA position 395, T replaced by C.
Protein change: p.Leu132Pro; replaces leucine 132 with proline.
Molecular consequence: missense variant.
Genome position (GRCh38, 1-based): chr5:78,969,110, A>G on the plus strand (T>C on the coding strand, the complement: ARSB is on the minus strand). VCF-style: chr5-78969110-A-G. GRCh37 (hg19) VCF-style: chr5-78264933-A-G.
Other names: c.395T>C, p.Leu132Pro (NM_198709.3); short protein forms L132P.
Identifiers: ClinVar variation 559778 (VCV000559778.1), dbSNP rs1554088079, ClinGen allele CA360194228.